The following is an entry in ClinVar:

ClinVar aggregate classification (germline): Uncertain significance (1 of 4 stars; one submission).

Submission:

GeneDx
Classification: Uncertain significance. Last evaluated: 2025-01-21. Review status: criteria provided, single submitter. Criteria: GeneDx Variant Classification Process June 2021. Collection method: clinical testing. Allele origin: germline. Affected: yes.
Comment: Not observed at significant frequency in large population cohorts (gnomAD); In silico analysis supports that this missense variant has a deleterious effect on protein structure/function; Has not been previously published as pathogenic or benign to our knowledge

NM_001957.4(EDNRA):c.995T>C (p.Val332Ala)

Gene: EDNRA (endothelin receptor type A; plus strand). Cytogenetic location: 4q31.23.
Variant type: single nucleotide variant.
Coding change: c.995T>C on transcript NM_001957.4 (MANE Select); coding-DNA position 995, T replaced by C.
Protein change: p.Val332Ala; replaces valine 332 with alanine.
Molecular consequence: missense variant. On other transcripts: non-coding transcript variant (3).
Genome position (GRCh38, 1-based): chr4:147,539,911, T>C. VCF-style: chr4-147539911-T-C. GRCh37 (hg19) VCF-style: chr4-148461063-T-C.
Other names: c.668T>C, p.Val223Ala (NM_001166055.2); short protein forms V223A, V332A.
Identifiers: ClinVar variation 4070699 (VCV004070699.1).